The following is an entry in ClinVar:

NM_000019.4(ACAT1):c.776T>C (p.Val259Ala)

Gene: ACAT1 (acetyl-CoA acetyltransferase 1; plus strand). Cytogenetic location: 11q22.3.
Variant type: single nucleotide variant.
Coding change: c.776T>C on transcript NM_000019.4 (MANE Select); coding-DNA position 776, T replaced by C.
Protein change: p.Val259Ala; replaces valine 259 with alanine.
Molecular consequence: missense variant. On other transcripts: non-coding transcript variant (2).
Genome position (GRCh38, 1-based): chr11:108,141,650, T>C. VCF-style: chr11-108141650-T-C. GRCh37 (hg19) VCF-style: chr11-108012377-T-C.
Other names: c.776T>C, p.Val259Ala (NM_001386677.1); c.461T>C, p.Val154Ala (NM_001386678.1); c.479T>C, p.Val160Ala (NM_001386679.1); c.506T>C, p.Val169Ala (NM_001386681.1, NM_001386682.1, NM_001386685.1 and 6 more transcripts); short protein forms V154A, V160A, V169A, V259A.
Identifiers: ClinVar variation 1390445 (VCV001390445.4), dbSNP rs746059964, ClinGen allele CA382507816.
Genomic context (GRCh38, chr11:108,141,650, plus strand): 5'-ATATTTTTATTTTAGGTCAACCAGATGTAGTGGTGAAAGAAGATGAAGAATATAAACGTG[T>C]TGATTTTAGCAAAGTTCCAAAGCTGAAGACAGTTTTCCAGAAAGAAAATGGTTAGTGTTA-3'
Protein context (NP_000010.1, residues 249-269): VVKEDEEYKR[Val259Ala]DFSKVPKLKT

ClinVar aggregate classification (germline): Uncertain significance. Review status: criteria provided, multiple submitters, no conflicts (2 of 4 stars). 2 submissions from 2 submitters: Uncertain significance (2). Last evaluated 2026-07-15.

Conditions:
Deficiency of acetyl-CoA acetyltransferase. Also called: MITOCHONDRIAL ACETOACETYL-CoA THIOLASE DEFICIENCY; 3-KETOTHIOLASE DEFICIENCY; 3-OXOTHIOLASE DEFICIENCY; Beta-ketothiolase deficiency. Identifiers: Orphanet 134, MedGen C1536500, MONDO:0008760, OMIM 203750. Disease mechanism: loss of function.

Allele frequency attached by ClinVar (database versions not stated): gnomAD 0.00002; TOPMed 0.00005.
gnomAD v4.1: 12 of 1,613,554 alleles (0.00074%); highest among the groups gnomAD compares: Admixed American, 0.005%; no homozygotes.

Submissions (2):

Myriad Genetics, Inc.
Classification: Uncertain significance for Deficiency of acetyl-CoA acetyltransferase. Last evaluated: 2026-07-15. Review status: criteria provided, single submitter. Criteria: Myriad Autosomal Dominant, Autosomal Recessive and X-Linked Classification Criteria (2023). Collection method: clinical testing. Allele origin: unknown.
Comment: NM_000019.3(ACAT1):c.776T>C(V259A) is a missense variant classified as a variant of uncertain significance in the context of beta-ketothiolase deficiency. V259A has not been observed in cases with relevant disease. Relevant functional assessments of this variant are not available in the literature. V259A has been observed in referenced population frequency databases. In summary, there is insufficient evidence to classify NM_000019.3(ACAT1):c.776T>C(V259A) as pathogenic or benign. Please note: this variant was assessed in the context of healthy population screening.

Labcorp Genetics (formerly Invitae), Labcorp
Classification: Uncertain significance for Deficiency of acetyl-CoA acetyltransferase. Last evaluated: 2021-11-18. Review status: criteria provided, single submitter. Criteria: Invitae Variant Classification Sherloc (09022015). Collection method: clinical testing. Allele origin: germline.
Comment: This sequence change replaces valine, which is neutral and non-polar, with alanine, which is neutral and non-polar, at codon 259 of the ACAT1 protein (p.Val259Ala). This variant is not present in population databases (gnomAD no frequency). This variant has not been reported in the literature in individuals affected with ACAT1-related conditions. Algorithms developed to predict the effect of missense changes on protein structure and function are either unavailable or do not agree on the potential impact of this missense change (SIFT: "Deleterious"; PolyPhen-2: "Benign"; Align-GVGD: "Class C25"). In summary, the available evidence is currently insufficient to determine the role of this variant in disease. Therefore, it has been classified as a Variant of Uncertain Significance.